The following is an entry in ClinVar:

ClinVar aggregate classification (germline): Uncertain significance. Review status: criteria provided, multiple submitters, no conflicts (2 of 4 stars). 2 submissions from 2 submitters: Uncertain significance (2). Last evaluated 2025-03-06.

Conditions:
Inborn genetic diseases. Identifiers: MedGen C0950123, MeSH D030342.

Allele frequency attached by ClinVar (database versions not stated): gnomAD exomes 0.00001; ExAC 0.00002; gnomAD 0.00002; TOPMed 0.00005.
gnomAD v4.1: 10 of 1,613,360 alleles (0.00062%); highest among the groups gnomAD compares: Admixed American, 0.0067%; no homozygotes.

Submissions (2):

Ambry Genetics
Classification: Uncertain significance for Inborn genetic diseases. Last evaluated: 2025-03-06. Review status: criteria provided, single submitter. Criteria: Ambry Variant Classification Scheme 2023. Collection method: clinical testing. Allele origin: germline.

GeneDx
Classification: Uncertain significance. Last evaluated: 2023-04-11. Review status: criteria provided, single submitter. Criteria: GeneDx Variant Classification Process June 2021. Collection method: clinical testing. Allele origin: germline. Affected: yes.
Comment: In silico analysis supports that this missense variant does not alter protein structure/function; Has not been previously published as pathogenic or benign to our knowledge

NM_016239.4(MYO15A):c.151G>A (p.Gly51Ser)

Gene: MYO15A (myosin XVA; plus strand). Cytogenetic location: 17p11.2.
Variant type: single nucleotide variant.
Coding change: c.151G>A on transcript NM_016239.4 (MANE Select); coding-DNA position 151, G replaced by A.
Protein change: p.Gly51Ser; replaces glycine 51 with serine.
Molecular consequence: missense variant.
Genome position (GRCh38, 1-based): chr17:18,118,951, G>A. VCF-style: chr17-18118951-G-A. GRCh37 (hg19) VCF-style: chr17-18022265-G-A.
Other names: short protein forms G51S.
Identifiers: ClinVar variation 2662599 (VCV002662599.2), dbSNP rs748973041, ClinGen allele CA8422770.